The following is an entry in ClinVar:

NM_001330260.2(SCN8A):c.3830T>A (p.Val1277Asp)

Gene: SCN8A (sodium voltage-gated channel alpha subunit 8; plus strand). Cytogenetic location: 12q13.13.
Variant type: single nucleotide variant.
Coding change: c.3830T>A on transcript NM_001330260.2 (MANE Select); coding-DNA position 3830, T replaced by A.
Protein change: p.Val1277Asp; replaces valine 1277 with aspartic acid.
Molecular consequence: missense variant. On other transcripts: intron variant (2).
Genome position (GRCh38, 1-based): chr12:51,780,659, T>A. VCF-style: chr12-51780659-T-A. GRCh37 (hg19) VCF-style: chr12-52174443-T-A.
Other names: c.3830T>A, p.Val1277Asp (NM_014191.4); c.3820-5883T>A (NM_001177984.3, NM_001369788.1); short protein forms V1277D.
Identifiers: ClinVar variation 391356 (VCV000391356.2), dbSNP rs1057524050, ClinGen allele CA16607354.

ClinVar aggregate classification (germline): Uncertain significance (1 of 4 stars; one submission).

Submission:

GeneDx
Classification: Uncertain significance. Last evaluated: 2016-12-19. Review status: criteria provided, single submitter. Criteria: GeneDx Variant Classification (06012015). Collection method: clinical testing. Allele origin: germline. Affected: yes.
Comment: The V1277D variant in the SCN8A gene has not been reported previously as a pathogenic variant, nor as a benign variant, to our knowledge. The V1277D variant was not observed in approximately 6,000 individuals of European and African American ancestry in the NHLBI Exome Sequencing Project, indicating it is not a common benign variant in these populations. The V1277D variant is a non-conservative amino acid substitution, which is likely to impact secondary protein structure as these residues differ in polarity, charge, size and/or other properties. This substitution occurs at a position that is conserved across species. In silico analysis predicts this variant is probably damaging to the protein structure/function. We interpret V1277D as a variant of uncertain significance.